The following is an entry in ClinVar:

NM_000414.4(HSD17B4):c.1628G>A (p.Arg543His)

Gene: HSD17B4 (hydroxysteroid 17-beta dehydrogenase 4; plus strand). Cytogenetic location: 5q23.1.
Variant type: single nucleotide variant.
Coding change: c.1628G>A on transcript NM_000414.4 (MANE Select); coding-DNA position 1628, G replaced by A.
Protein change: p.Arg543His; replaces arginine 543 with histidine.
Molecular consequence: missense variant.
Genome position (GRCh38, 1-based): chr5:119,525,971, G>A. VCF-style: chr5-119525971-G-A. GRCh37 (hg19) VCF-style: chr5-118861666-G-A.
Other names: c.1703G>A, p.Arg568His (NM_001199291.3); c.1574G>A, p.Arg525His (NM_001199292.2); c.1556G>A, p.Arg519His (NM_001292027.2); c.1208G>A, p.Arg403His (NM_001292028.2); short protein forms R543H, R403H, R525H, R519H, R568H.
Identifiers: ClinVar variation 350468 (VCV000350468.17), dbSNP rs201009485, ClinGen allele CA3382344.

ClinVar aggregate classification (germline): Conflicting classifications of pathogenicity. Review status: criteria provided, conflicting classifications (1 of 4 stars). 7 submissions from 6 submitters: Uncertain significance (5); Likely benign (1). 1 of the submissions does not count toward it. Last evaluated 2024-08-19.

Conditions:
Perrault syndrome. Also called: Gonadal dysgenesis with auditory dysfunction, autosomal recessive inheritance. Identifiers: Orphanet 2855, MedGen C0685838, MONDO:0017312.
Bifunctional peroxisomal enzyme deficiency (DBIF). Also called: DBP DEFICIENCY; PBFE DEFICIENCY; D-bifunctional protein deficiency. Identifiers: Orphanet 300, MedGen C0342870, MONDO:0009855, OMIM 261515. Disease mechanism: loss of function.
Inborn genetic diseases. Identifiers: MedGen C0950123, MeSH D030342.
Perrault syndrome 1 (PRLTS1). Also called: GONADAL DYSGENESIS, XX TYPE, WITH DEAFNESS; OVARIAN DYSGENESIS WITH SENSORINEURAL DEAFNESS. Identifiers: Orphanet 2855, Orphanet 642945, MedGen C4551721, MONDO:0009300, OMIM 233400.

Allele frequency attached by ClinVar (database versions not stated): TOPMed 0.00001; gnomAD 0.00003; ESP Exome Variant Server 0.00008; 1000 Genomes Project 0.00020; 1000 Genomes Project 30x 0.00031.
gnomAD v4.1: 23 of 1,611,502 alleles (0.0014%); highest among the groups gnomAD compares: Admixed American, 0.03%; no homozygotes.

Submissions (7):

GeneDx
Classification: Uncertain significance. Last evaluated: 2024-08-19. Review status: criteria provided, single submitter. Criteria: GeneDx Variant Classification Process June 2021. Collection method: clinical testing. Allele origin: germline. Affected: yes.
Comment: Not observed at significant frequency in large population cohorts (gnomAD); In silico analysis indicates that this missense variant does not alter protein structure/function; Has not been previously published as pathogenic or benign to our knowledge

Women's Health and Genetics/Laboratory Corporation of America, LabCorp
Classification: Uncertain significance. Last evaluated: 2023-02-24. Review status: criteria provided, single submitter. Criteria: LabCorp Variant Classification Summary - May 2015. Collection method: clinical testing. Allele origin: germline.
Comment: Variant summary: HSD17B4 c.1628G>A (p.Arg543His) results in a non-conservative amino acid change located in the MaoC-like dehydratase domain of the encoded protein sequence. Three of four in-silico tools predict a benign effect of the variant on protein function. The variant allele was found at a frequency of 2e-05 in 251252 control chromosomes. The available data on variant occurrences in the general population are insufficient to allow any conclusion about variant significance. To our knowledge, no occurrence of c.1628G>A in individuals affected with D-Bifunctional Protein Deficiency and no experimental evidence demonstrating its impact on protein function have been reported. Five clinical diagnostic laboratories have submitted clinical-significance assessments for this variant to ClinVar after 2014 without evidence for independent evaluation. Four submitters classified the variant as VUS while one classified as likely benign. Based on the evidence outlined above, the variant was classified as uncertain significance.

Labcorp Genetics (formerly Invitae), Labcorp
Classification: Uncertain significance for Perrault syndrome; Bifunctional peroxisomal enzyme deficiency. Last evaluated: 2021-08-27. Review status: criteria provided, single submitter. Criteria: Invitae Variant Classification Sherloc (09022015). Collection method: clinical testing. Allele origin: germline.
Comment: This sequence change replaces arginine with histidine at codon 543 of the HSD17B4 protein (p.Arg543His). The arginine residue is weakly conserved and there is a small physicochemical difference between arginine and histidine. This variant is present in population databases (rs201009485, ExAC 0.009%). This variant has not been reported in the literature in individuals affected with HSD17B4-related conditions. ClinVar contains an entry for this variant (Variation ID: 350468). Algorithms developed to predict the effect of missense changes on protein structure and function output the following: SIFT: "Tolerated"; PolyPhen-2: "Benign"; Align-GVGD: "Class C0". The histidine amino acid residue is found in multiple mammalian species, which suggests that this missense change does not adversely affect protein function. In summary, the available evidence is currently insufficient to determine the role of this variant in disease. Therefore, it has been classified as a Variant of Uncertain Significance.

Ambry Genetics
Classification: Likely benign for Inborn genetic diseases. Last evaluated: 2021-06-21. Review status: criteria provided, single submitter. Criteria: Ambry Variant Classification Scheme 2023. Collection method: clinical testing. Allele origin: germline.

Illumina Laboratory Services, Illumina
Classification: Uncertain significance for Perrault syndrome 1. Last evaluated: 2018-01-13. Review status: criteria provided, single submitter. Criteria: ICSL Variant Classification Criteria 13 December 2019. Collection method: clinical testing. Allele origin: germline.

Illumina Laboratory Services, Illumina
Classification: Uncertain significance for Bifunctional peroxisomal enzyme deficiency. Last evaluated: 2018-01-13. Review status: criteria provided, single submitter. Criteria: ICSL Variant Classification Criteria 13 December 2019. Collection method: clinical testing. Allele origin: germline.

Natera, Inc.
Classification: Uncertain significance for Bifunctional peroxisomal enzyme deficiency. Last evaluated: 2019-10-28. Review status: no assertion criteria provided. Collection method: clinical testing. Allele origin: germline. Not counted in ClinVar's aggregate classification.